The following is an entry in ClinVar:

NC_012920.1(MT-CYB):m.15642T>C

Gene: MT-CYB (mitochondrially encoded cytochrome b; plus strand).
Variant type: single nucleotide variant.
Genome position: chrM-15642-T-C.
Identifiers: ClinVar variation 693919 (VCV000693919.1), dbSNP rs1603225397, ClinGen allele CA913174437.

ClinVar aggregate classification (germline): Uncertain significance (1 of 4 stars; one submission).

Conditions:
Leigh syndrome (NULS). Also called: Leigh's necrotizing encephalopathy; Leigh's disease; Leigh's syndrome; LEIGH SYNDROME, NUCLEAR; Leigh Syndrome (mtDNA deletion); Leigh Disease. Identifiers: Orphanet 506, MedGen C2931891, MONDO:0009723, OMIM 256000.

Submission:

Wong Mito Lab, Molecular and Human Genetics, Baylor College of Medicine
Classification: Uncertain significance for Leigh syndrome. Last evaluated: 2019-10-17. Review status: criteria provided, single submitter. Criteria: Modified ACMG Guidelines (Unpublished). Collection method: clinical testing. Allele origin: germline.
Comment: The NC_012920.1:m.15642T>C (YP_003024038.1:p.Leu299Pro) variant in MTCYB gene is interpretated to be a Uncertain Significance variant based on the modified ACMG guidelines (unpublished). This variant meets the following evidence codes: no criteria